The following is an entry in ClinVar:

NM_001698.3(AUH):c.952A>G (p.Thr318Ala)

Gene: AUH (AU RNA binding methylglutaconyl-CoA hydratase; minus strand). Cytogenetic location: 9q22.31.
Variant type: single nucleotide variant.
Coding change: c.952A>G on transcript NM_001698.3 (MANE Select); coding-DNA position 952, A replaced by G.
Protein change: p.Thr318Ala; replaces threonine 318 with alanine.
Molecular consequence: missense variant.
Genome position (GRCh38, 1-based): chr9:91,214,416, T>C on the plus strand (A>G on the coding strand, the complement: AUH is on the minus strand). VCF-style: chr9-91214416-T-C. GRCh37 (hg19) VCF-style: chr9-93976698-T-C.
Other names: c.865A>G, p.Thr289Ala (NM_001306190.2); c.625A>G, p.Thr209Ala (NM_001351431.2, NM_001351432.2); c.577A>G, p.Thr193Ala (NM_001351433.2); short protein forms T193A, T289A, T318A, T209A.
Identifiers: ClinVar variation 4989489 (VCV004989489.1).

ClinVar aggregate classification (germline): Uncertain significance (1 of 4 stars; one submission).

Conditions:
AUH-related disorder. Also called: AUH-related condition.

gnomAD v4.1: 1 of 1,608,238 alleles (0.000062%); highest among the groups gnomAD compares: African/African-American, 0.0013%; no homozygotes.

Submission:

PreventionGenetics, part of Exact Sciences
Classification: Uncertain significance for AUH-related condition. Last evaluated: 2025-09-16. Review status: criteria provided, single submitter. Criteria: ACMG Guidelines, 2015. Collection method: clinical testing. Allele origin: germline.
Comment: The AUH c.952A>G variant is predicted to result in the amino acid substitution p.Thr318Ala. To our knowledge, this variant has not been reported in the literature or in a large population database (gnomAD), indicating this variant is rare. At this time, the clinical significance of this variant is uncertain due to the absence of conclusive functional and genetic evidence.